The following is an entry in ClinVar:

NM_006397.3(RNASEH2A):c.422A>G (p.Asp141Gly)

Gene: RNASEH2A (ribonuclease H2 subunit A; plus strand). Cytogenetic location: 19p13.13.
Variant type: single nucleotide variant.
Coding change: c.422A>G on transcript NM_006397.3 (MANE Select); coding-DNA position 422, A replaced by G.
Protein change: p.Asp141Gly; replaces aspartic acid 141 with glycine.
Molecular consequence: missense variant.
Genome position (GRCh38, 1-based): chr19:12,810,081, A>G. VCF-style: chr19-12810081-A-G. GRCh37 (hg19) VCF-style: chr19-12920895-A-G.
Other names: short protein forms D141G.
Identifiers: ClinVar variation 1421118 (VCV001421118.6), dbSNP rs967836212, ClinGen allele CA305493115.

ClinVar aggregate classification (germline): Uncertain significance (1 of 4 stars; one submission).

Conditions:
Aicardi-Goutieres syndrome 4. Identifiers: Orphanet 51, MedGen C1835912, MONDO:0012472, OMIM 610333.

Allele frequency attached by ClinVar (database versions not stated): TOPMed 0.00001.

Submission:

Labcorp Genetics (formerly Invitae), Labcorp
Classification: Uncertain significance for Aicardi-Goutieres syndrome 4. Last evaluated: 2021-08-09. Review status: criteria provided, single submitter. Criteria: Invitae Variant Classification Sherloc (09022015). Collection method: clinical testing. Allele origin: germline.
Comment: This variant is not present in population databases (ExAC no frequency). This sequence change replaces aspartic acid with glycine at codon 141 of the RNASEH2A protein (p.Asp141Gly). The aspartic acid residue is highly conserved and there is a moderate physicochemical difference between aspartic acid and glycine. This variant has not been reported in the literature in individuals affected with RNASEH2A-related conditions. Algorithms developed to predict the effect of missense changes on protein structure and function (SIFT, PolyPhen-2, Align-GVGD) all suggest that this variant is likely to be disruptive. In summary, the available evidence is currently insufficient to determine the role of this variant in disease. Therefore, it has been classified as a Variant of Uncertain Significance.